The following is an entry in ClinVar:

NM_001035.3(RYR2):c.3481G>C (p.Val1161Leu)

Gene: RYR2 (ryanodine receptor 2; plus strand). Cytogenetic location: 1q43.
Variant type: single nucleotide variant.
Coding change: c.3481G>C on transcript NM_001035.3 (MANE Select); coding-DNA position 3481, G replaced by C.
Protein change: p.Val1161Leu; replaces valine 1161 with leucine.
Molecular consequence: missense variant.
Genome position (GRCh38, 1-based): chr1:237,569,202, G>C. VCF-style: chr1-237569202-G-C. GRCh37 (hg19) VCF-style: chr1-237732502-G-C.
Other names: c.3481G>C (NM_001035.2).
Identifiers: ClinVar variation 167626 (VCV000167626.20), dbSNP rs372761438, ClinGen allele CA009241.

ClinVar aggregate classification (germline): Uncertain significance. Review status: criteria provided, multiple submitters, no conflicts (2 of 4 stars). 6 submissions from 6 submitters: Uncertain significance (6). Last evaluated 2025-12-19.

Conditions:
Cardiovascular phenotype. Identifiers: MedGen CN230736.
Catecholaminergic polymorphic ventricular tachycardia (CVPT). Also called: Catecholamine-induced polymorphic ventricular tachycardia. Identifiers: Orphanet 3286, MedGen C5574922, MONDO:0017990.
Cardiomyopathy (CMYO). Also called: Cardiomyopathies. Identifiers: Orphanet 167848, MedGen C0878544, MONDO:0004994, HP:0001638. Inheritance: Various modes of inheritance.
Catecholaminergic polymorphic ventricular tachycardia 1. Also called: VENTRICULAR TACHYCARDIA, CATECHOLAMINERGIC POLYMORPHIC, 1, WITH OR WITHOUT ATRIAL DYSFUNCTION AND/OR DILATED CARDIOMYOPATHY; RYR2-Related Catecholaminergic Polymorphic Ventricular Tachycardia; VENTRICULAR TACHYCARDIA, STRESS-INDUCED POLYMORPHIC 1. Identifiers: Orphanet 3286, MedGen C1631597, MONDO:0011484, OMIM 604772.

Allele frequency attached by ClinVar (database versions not stated): gnomAD 0.00004 and 0.00003; ESP Exome Variant Server 0.00008.
gnomAD v4.1: 73 of 1,613,862 alleles (0.0045%); highest among the groups gnomAD compares: Non-Finnish European, 0.006%; no homozygotes.

Submissions (6):

Ambry Genetics
Classification: Uncertain significance for Cardiovascular phenotype. Last evaluated: 2025-12-19. Review status: criteria provided, single submitter. Criteria: Ambry Variant Classification Scheme 2023. Collection method: clinical testing. Allele origin: germline.
Comment: The p.V1161L variant (also known as c.3481G>C), located in coding exon 29 of the RYR2 gene, results from a G to C substitution at nucleotide position 3481. The valine at codon 1161 is replaced by leucine, an amino acid with highly similar properties. This alteration has been reported in a hypertrophic cardiomyopathy (HCM) cohort; however, clinical details were limited (Lopes LR et al. Heart, 2015 Feb;101:294-301). This amino acid position is highly conserved in available vertebrate species. In addition, the in silico prediction for this alteration is inconclusive. Since supporting evidence is limited at this time, the clinical significance of this alteration remains unclear.

All of Us Research Program, National Institutes of Health
Classification: Uncertain significance for Catecholaminergic polymorphic ventricular tachycardia. Last evaluated: 2024-08-13. Review status: criteria provided, single submitter. Criteria: ACMG Guidelines, 2015. Collection method: clinical testing. Allele origin: germline. Inheritance: Autosomal dominant inheritance. Observed: 4 variant alleles, 4 heterozygotes.
Comment: This missense variant replaces valine with leucine at codon 1161 of the RYR2 protein. Computational prediction tool suggests that this variant may not impact protein structure and function (internally defined REVEL score threshold <=0.5, PMID: 27666373). Splice site prediction tools suggest that this variant may not impact RNA splicing. To our knowledge, functional studies have not been performed for this variant. This variant has been reported in one individual affected with hypertrophic cardiomyopathy (PMID: 25351510). This variant has been identified in 6/280596 chromosomes in the general population by the Genome Aggregation Database (gnomAD). The available evidence is insufficient to determine the role of this variant in disease conclusively. Therefore, this variant is classified as a Variant of Uncertain Significance.

This study involves interpretation of variants in research participants for the purpose of population health screening. Participant phenotype was not available at the time of variant classification. Additional details can be found in publication PMID: 35346344, PMCID: PMC8962531

Color Diagnostics, LLC DBA Color Health
Classification: Uncertain significance for Cardiomyopathy. Last evaluated: 2024-07-31. Review status: criteria provided, single submitter. Criteria: ACMG Guidelines, 2015. Collection method: clinical testing. Allele origin: germline.
Comment: This missense variant replaces valine with leucine at codon 1161 of the RYR2 protein. Computational prediction tool suggests that this variant may not impact protein structure and function. To our knowledge, functional studies have not been reported for this variant. This variant has been reported in an individual affected with hypertrophic cardiomyopathy (PMID: 25351510). This variant has been identified in 6/280596 chromosomes in the general population by the Genome Aggregation Database (gnomAD). The available evidence is insufficient to determine the role of this variant in disease conclusively. Therefore, this variant is classified as a Variant of Uncertain Significance.

Labcorp Genetics (formerly Invitae), Labcorp
Classification: Uncertain significance for Catecholaminergic polymorphic ventricular tachycardia 1. Last evaluated: 2024-06-13. Review status: criteria provided, single submitter. Criteria: Invitae Variant Classification Sherloc (09022015). Collection method: clinical testing. Allele origin: germline.
Comment: This sequence change replaces valine, which is neutral and non-polar, with leucine, which is neutral and non-polar, at codon 1161 of the RYR2 protein (p.Val1161Leu). This variant is present in population databases (rs372761438, gnomAD 0.005%). This variant has not been reported in the literature in individuals affected with RYR2-related conditions. ClinVar contains an entry for this variant (Variation ID: 167626). Advanced modeling of protein sequence and biophysical properties (such as structural, functional, and spatial information, amino acid conservation, physicochemical variation, residue mobility, and thermodynamic stability) performed at Invitae indicates that this missense variant is not expected to disrupt RYR2 protein function with a negative predictive value of 95%. In summary, the available evidence is currently insufficient to determine the role of this variant in disease. Therefore, it has been classified as a Variant of Uncertain Significance.

GeneDx
Classification: Uncertain significance. Last evaluated: 2023-08-17. Review status: criteria provided, single submitter. Criteria: GeneDx Variant Classification Process June 2021. Collection method: clinical testing. Allele origin: germline. Affected: yes.
Comment: Reported among a cohort of individuals with hypertrophic cardiomyopathy (Lopes et al., 2015); In silico analysis supports that this missense variant has a deleterious effect on protein structure/function; Not located in one of the three hot-spot regions of the RYR2 gene, where the majority of pathogenic missense variants occur (Medeiros-Domingo et al., 2009); This variant is associated with the following publications: (PMID: 25351510)

Eurofins Ntd Llc (ga)
Classification: Uncertain significance. Last evaluated: 2014-04-30. Review status: criteria provided, single submitter. Criteria: EGL Classification Definitions 2015. Collection method: clinical testing. Allele origin: germline. Observed: 2 variant alleles, 2 heterozygotes.

Literature cited by the submitters: PubMed 25351510 (cited by 3 submitters).